The following is an entry in ClinVar:

ClinVar aggregate classification (germline): Uncertain significance. Review status: criteria provided, multiple submitters, no conflicts (2 of 4 stars). 2 submissions from 2 submitters: Uncertain significance (2). Last evaluated 2025-06-03.

Conditions:
Alstrom syndrome (ALMS). Identifiers: Orphanet 64, MedGen C0268425, MONDO:0008763, OMIM 203800.

Allele frequency attached by ClinVar (database versions not stated): gnomAD 0.00001.
gnomAD v4.1: 20 of 1,611,942 alleles (0.0012%); highest among the groups gnomAD compares: Admixed American, 0.0017%; no homozygotes.

Submissions (2):

Labcorp Genetics (formerly Invitae), Labcorp
Classification: Uncertain significance for Alstrom syndrome. Last evaluated: 2025-06-03. Review status: criteria provided, single submitter. Criteria: Invitae Variant Classification Sherloc (09022015). Collection method: clinical testing. Allele origin: germline.
Comment: This sequence change replaces proline, which is neutral and non-polar, with glutamine, which is neutral and polar, at codon 1565 of the ALMS1 protein (p.Pro1565Gln). This variant is not present in population databases (gnomAD no frequency). This variant has not been reported in the literature in individuals affected with ALMS1-related conditions. ClinVar contains an entry for this variant (Variation ID: 1443757). Experimental studies and prediction algorithms are not available or were not evaluated, and the functional significance of this variant is currently unknown. In summary, the available evidence is currently insufficient to determine the role of this variant in disease. Therefore, it has been classified as a Variant of Uncertain Significance.

Department of Pathology and Laboratory Medicine, Sinai Health System
Classification: Uncertain significance for Alstrom syndrome. Last evaluated: 2022-08-22. Review status: criteria provided, single submitter. Criteria: ACMG Guidelines, 2015. Collection method: research. Allele origin: germline.

NM_001378454.1(ALMS1):c.4691C>A (p.Pro1564Gln)

Gene: ALMS1 (ALMS1 centrosome and basal body associated protein; plus strand). Cytogenetic location: 2p13.1.
Variant type: single nucleotide variant.
Coding change: c.4691C>A on transcript NM_001378454.1 (MANE Select); coding-DNA position 4691, C replaced by A.
Protein change: p.Pro1564Gln; replaces proline 1564 with glutamine.
Molecular consequence: missense variant.
Genome position (GRCh38, 1-based): chr2:73,451,218, C>A. VCF-style: chr2-73451218-C-A. GRCh37 (hg19) VCF-style: chr2-73678345-C-A.
Other names: c.4694C>A, p.Pro1565Gln (NM_015120.4); short protein forms P1564Q, P1565Q.
Identifiers: ClinVar variation 1443757 (VCV001443757.5), dbSNP rs773841585, ClinGen allele CA347279064.
Genomic context (GRCh38, chr2:73,451,218, plus strand): 5'-CTGAAGAGGCTCTCAGAGTTTCTTCTGCTCCTGGACCAGCTGACCAGACAACTGGCATAC[C>A]AACCATAACCTCTACTTCCTACTCATTTGGAGAGAAGCCGATTGTTAACTACAAACAGGC-3'
Protein context (NP_001365383.1, residues 1554-1574): PGPADQTTGI[Pro1564Gln]TITSTSYSFG